The following is an entry in ClinVar:

ClinVar aggregate classification (germline): Uncertain significance. Review status: criteria provided, multiple submitters, no conflicts (2 of 4 stars). 2 submissions from 2 submitters: Uncertain significance (2). Last evaluated 2025-05-27.

Conditions:
Oligodontia-cancer predisposition syndrome. Also called: TOOTH AGENESIS-COLORECTAL CANCER SYNDROME. Identifiers: Orphanet 300576, MedGen C1837750, MONDO:0012075, OMIM 608615. Disease mechanism: loss of function.
Hereditary cancer-predisposing syndrome. Also called: Tumor predisposition; Hereditary neoplastic syndrome; Neoplastic Syndromes, Hereditary; Hereditary Cancer Syndrome. Identifiers: Orphanet 140162, MedGen C0027672, MeSH D009386, MONDO:0015356.

gnomAD v4.1: 1 of 1,613,798 alleles (0.000062%); highest among the groups gnomAD compares: Admixed American, 0.0017%; no homozygotes.

Submissions (2):

Ambry Genetics
Classification: Uncertain significance for Hereditary cancer-predisposing syndrome. Last evaluated: 2025-05-27. Review status: criteria provided, single submitter. Criteria: Ambry Variant Classification Scheme 2023. Collection method: clinical testing. Allele origin: germline.
Comment: The p.H517Y variant (also known as c.1549C>T), located in coding exon 5 of the AXIN2 gene, results from a C to T substitution at nucleotide position 1549. The histidine at codon 517 is replaced by tyrosine, an amino acid with similar properties. This amino acid position is conserved. In addition, the in silico prediction for this alteration is inconclusive. Based on the available evidence, the clinical significance of this variant remains unclear.

Labcorp Genetics (formerly Invitae), Labcorp
Classification: Uncertain significance for Oligodontia-cancer predisposition syndrome. Last evaluated: 2025-04-23. Review status: criteria provided, single submitter. Criteria: Invitae Variant Classification Sherloc (09022015). Collection method: clinical testing. Allele origin: germline.
Comment: This sequence change replaces histidine, which is basic and polar, with tyrosine, which is neutral and polar, at codon 517 of the AXIN2 protein (p.His517Tyr). This variant is not present in population databases (gnomAD no frequency). This variant has not been reported in the literature in individuals affected with AXIN2-related conditions. Invitae Evidence Modeling of protein sequence and biophysical properties (such as structural, functional, and spatial information, amino acid conservation, physicochemical variation, residue mobility, and thermodynamic stability) indicates that this missense variant is expected to disrupt AXIN2 protein function with a positive predictive value of 80%. In summary, the available evidence is currently insufficient to determine the role of this variant in disease. Therefore, it has been classified as a Variant of Uncertain Significance.

NM_004655.4(AXIN2):c.1549C>T (p.His517Tyr)

Gene: AXIN2 (axin 2; minus strand). Cytogenetic location: 17q24.1.
Variant type: single nucleotide variant.
Coding change: c.1549C>T on transcript NM_004655.4 (MANE Select); coding-DNA position 1549, C replaced by T.
Protein change: p.His517Tyr; replaces histidine 517 with tyrosine.
Molecular consequence: missense variant.
Genome position (GRCh38, 1-based): chr17:65,537,487, G>A on the plus strand (C>T on the coding strand, the complement: AXIN2 is on the minus strand). VCF-style: chr17-65537487-G-A. GRCh37 (hg19) VCF-style: chr17-63533605-G-A.
Other names: c.1549C>T, p.His517Tyr (NM_001363813.1); short protein forms H517Y.
Identifiers: ClinVar variation 3980460 (VCV003980460.2).